The following is an entry in ClinVar:

ClinVar aggregate classification (germline): Uncertain significance (1 of 4 stars; one submission).

Submission:

Labcorp Genetics (formerly Invitae), Labcorp
Classification: Uncertain significance. Last evaluated: 2021-12-13. Review status: criteria provided, single submitter. Criteria: Invitae Variant Classification Sherloc (09022015). Collection method: clinical testing. Allele origin: germline.
Comment: This variant is not present in population databases (gnomAD no frequency). In summary, the available evidence is currently insufficient to determine the role of this variant in disease. Therefore, it has been classified as a Variant of Uncertain Significance. Advanced modeling of protein sequence and biophysical properties (such as structural, functional, and spatial information, amino acid conservation, physicochemical variation, residue mobility, and thermodynamic stability) performed at Invitae indicates that this missense variant is not expected to disrupt COL4A4 protein function. This variant has not been reported in the literature in individuals affected with COL4A4-related conditions. This sequence change replaces leucine, which is neutral and non-polar, with proline, which is neutral and non-polar, at codon 336 of the COL4A4 protein (p.Leu336Pro).

NM_000092.5(COL4A4):c.1007T>C (p.Leu336Pro)

Gene: COL4A4 (collagen type IV alpha 4 chain; minus strand). Cytogenetic location: 2q36.3.
Variant type: single nucleotide variant.
Coding change: c.1007T>C on transcript NM_000092.5 (MANE Select); coding-DNA position 1007, T replaced by C.
Protein change: p.Leu336Pro; replaces leucine 336 with proline.
Molecular consequence: missense variant.
Genome position (GRCh38, 1-based): chr2:227,101,526, A>G on the plus strand (T>C on the coding strand, the complement: COL4A4 is on the minus strand). VCF-style: chr2-227101526-A-G. GRCh37 (hg19) VCF-style: chr2-227966242-A-G.
Other names: short protein forms L336P.
Identifiers: ClinVar variation 1361294 (VCV001361294.6), dbSNP rs2150773325, ClinGen allele CA350855857.